The following is an entry in ClinVar:

NM_001242896.3(DEPDC5):c.1397del (p.Val466fs)

Gene: DEPDC5 (DEP domain containing 5, GATOR1 subcomplex subunit; plus strand). Cytogenetic location: 22q12.3.
Variant type: Deletion.
Coding change: c.1397del on transcript NM_001242896.3 (MANE Select); coding-DNA position 1397, one base deleted (T; older notation c.1397delT).
Protein change: p.Val466fs; shifts the reading frame from valine 466.
Molecular consequence: frameshift variant. On other transcripts: non-coding transcript variant (5).
Genome position (GRCh38, 1-based): chr22:31,810,593, T deleted. VCF-style (leftmost placement, unchanged base first): chr22-31810592-GT-G. GRCh37 (hg19) VCF-style: chr22-32206578-GT-G.
Other names: c.1397del, p.Val466fs (NM_001007188.4, NM_001136029.4, NM_001242897.2 and 7 more transcripts); c.1313del, p.Val438fs (NM_001369901.1, NM_001369902.1); short protein forms V438fs, V466fs.
Identifiers: ClinVar variation 2762729 (VCV002762729.3), dbSNP rs2519101659, ClinGen allele CA2697552707.

ClinVar aggregate classification (germline): Pathogenic (1 of 4 stars; one submission).

Conditions:
Familial focal epilepsy with variable foci (FPEVF). Identifiers: Orphanet 98820, MedGen C1858477, MONDO:0020310.

Submission:

Labcorp Genetics (formerly Invitae), Labcorp
Classification: Pathogenic for Familial focal epilepsy with variable foci. Last evaluated: 2023-12-02. Review status: criteria provided, single submitter. Criteria: Invitae Variant Classification Sherloc (09022015). Collection method: clinical testing. Allele origin: germline.
Comment: This sequence change creates a premature translational stop signal (p.Val466Glyfs*51) in the DEPDC5 gene. It is expected to result in an absent or disrupted protein product. Loss-of-function variants in DEPDC5 are known to be pathogenic (PMID: 23542697, 23542701). This variant is not present in population databases (gnomAD no frequency). This variant has not been reported in the literature in individuals affected with DEPDC5-related conditions. For these reasons, this variant has been classified as Pathogenic.

Literature cited by the submitters: PubMed 23542697; PubMed 23542701.